The following is an entry in ClinVar:

NM_002206.3(ITGA7):c.862G>T (p.Ala288Ser)

Gene: ITGA7 (integrin subunit alpha 7; minus strand). Cytogenetic location: 12q13.2.
Variant type: single nucleotide variant.
Coding change: c.862G>T on transcript NM_002206.3 (MANE Select); coding-DNA position 862, G replaced by T.
Protein change: p.Ala288Ser; replaces alanine 288 with serine.
Molecular consequence: missense variant. On other transcripts: 5 prime UTR variant (1).
Genome position (GRCh38, 1-based): chr12:55,698,846, C>A on the plus strand (G>T on the coding strand, the complement: ITGA7 is on the minus strand). VCF-style: chr12-55698846-C-A. GRCh37 (hg19) VCF-style: chr12-56092630-C-A.
Other names: c.874G>T, p.Ala292Ser (NM_001144996.2, NM_001414029.1, NM_001414030.1); c.583G>T, p.Ala195Ser (NM_001144997.2); c.535G>T, p.Ala179Ser (NM_001367993.1); c.-431G>T (NM_001367994.1); c.862G>T, p.Ala288Ser (NM_001374465.1, NM_001414031.1, NM_001414034.1); c.994G>T, p.Ala332Ser (NM_001410977.1); c.742G>T, p.Ala248Ser (NM_001414032.1); c.679G>T, p.Ala227Ser (NM_001414033.1); and 1 more; short protein forms A332S, A175S, A292S, A179S, A248S, A288S, A195S, A227S.
Identifiers: ClinVar variation 4744883 (VCV004744883.1).

ClinVar aggregate classification (germline): Uncertain significance (1 of 4 stars; one submission).

Conditions:
Congenital muscular dystrophy due to integrin alpha-7 deficiency. Also called: Congenital muscular dystrophy with integrin alpha-7 deficiency; Muscular dystrophy, congenital, due to ITGA7 deficiency; MYOPATHY, CONGENITAL, DUE TO INTEGRIN ALPHA-7 DEFICIENCY. Identifiers: Orphanet 34520, MedGen C2750786, MONDO:0013177, OMIM 613204.

gnomAD v4.1: 3 of 1,613,434 alleles (0.00019%); highest among the groups gnomAD compares: East Asian, 0.0067%; no homozygotes.

Submission:

Labcorp Genetics (formerly Invitae), Labcorp
Classification: Uncertain significance for Congenital muscular dystrophy due to integrin alpha-7 deficiency. Last evaluated: 2025-03-13. Review status: criteria provided, single submitter. Criteria: Invitae Variant Classification Sherloc (09022015). Collection method: clinical testing. Allele origin: germline.
Comment: This sequence change replaces alanine, which is neutral and non-polar, with serine, which is neutral and polar, at codon 288 of the ITGA7 protein (p.Ala288Ser). This variant is not present in population databases (gnomAD no frequency). This variant has not been reported in the literature in individuals affected with ITGA7-related conditions. Invitae Evidence Modeling of protein sequence and biophysical properties (such as structural, functional, and spatial information, amino acid conservation, physicochemical variation, residue mobility, and thermodynamic stability) indicates that this missense variant is not expected to disrupt ITGA7 protein function with a negative predictive value of 80%. In summary, the available evidence is currently insufficient to determine the role of this variant in disease. Therefore, it has been classified as a Variant of Uncertain Significance.